The following is an entry in ClinVar:

ClinVar aggregate classification (germline): Uncertain significance (1 of 4 stars; one submission).

Submission:

GeneDx
Classification: Uncertain significance. Last evaluated: 2026-03-31. Review status: criteria provided, single submitter. Criteria: GeneDx Variant Classification Process June 2021. Collection method: clinical testing. Allele origin: germline.
Comment: Not observed at significant frequency in large population cohorts (gnomAD); In silico analysis suggests that this missense variant does not alter protein structure/function; Has not been previously published as pathogenic or benign to our knowledge

NM_001172509.2(SATB2):c.983C>T (p.Ala328Val)

Gene: SATB2 (SATB homeobox 2; minus strand). Cytogenetic location: 2q33.1.
Variant type: single nucleotide variant.
Coding change: c.983C>T on transcript NM_001172509.2 (MANE Select); coding-DNA position 983, C replaced by T.
Protein change: p.Ala328Val; replaces alanine 328 with valine.
Molecular consequence: missense variant.
Genome position (GRCh38, 1-based): chr2:199,348,891, G>A on the plus strand (C>T on the coding strand, the complement: SATB2 is on the minus strand). VCF-style: chr2-199348891-G-A. GRCh37 (hg19) VCF-style: chr2-200213614-G-A.
Other names: c.983C>T, p.Ala328Val (NM_001172517.1, NM_015265.4); short protein forms A328V.
Identifiers: ClinVar variation 5018056 (VCV005018056.1).